The following is an entry in ClinVar:

NM_003172.4(SURF1):c.703A>G (p.Met235Val)

Gene: SURF1 (SURF1 cytochrome c oxidase assembly factor; minus strand). Cytogenetic location: 9q34.2.
Variant type: single nucleotide variant.
Coding change: c.703A>G on transcript NM_003172.4 (MANE Select); coding-DNA position 703, A replaced by G.
Protein change: p.Met235Val; replaces methionine 235 with valine.
Molecular consequence: missense variant.
Genome position (GRCh38, 1-based): chr9:133,352,494, T>C on the plus strand (A>G on the coding strand, the complement: SURF1 is on the minus strand). VCF-style: chr9-133352494-T-C. GRCh37 (hg19) VCF-style: chr9-136219349-T-C.
Other names: c.376A>G, p.Met126Val (NM_001280787.1); short protein forms M126V, M235V.
Identifiers: ClinVar variation 1494101 (VCV001494101.10), dbSNP rs782437393, ClinGen allele CA375693698.

ClinVar aggregate classification (germline): Conflicting classifications of pathogenicity. Review status: criteria provided, conflicting classifications (1 of 4 stars). 2 submissions from 2 submitters: Likely pathogenic (1); Uncertain significance (1). Last evaluated 2023-01-31.

Conditions:
Mitochondrial complex IV deficiency, nuclear type 1 (MC4DN1). Also called: Mitochondrial complex IV deficiency; Complex 4 mitochondrial respiratory chain deficiency; Deficiency of mitochondrial respiratory chain complex4; Complex IV deficiency; COX DEFICIENCY. Identifiers: MedGen C5435656, MONDO:0700250, OMIM 220110. Disease mechanism: loss of function.
Leigh syndrome (NULS). Also called: Leigh Disease; Subacute necrotizing encephalopathy; Necrotizing encephalopathy infantile subacute of Leigh; Leigh's syndrome; LEIGH SYNDROME, NUCLEAR; Leigh's necrotizing encephalopathy. Identifiers: Orphanet 506, MedGen C2931891, MONDO:0009723, OMIM 256000.

Submissions (2):

Laboratory of Inherited Metabolic Diseases, Research centre for medical genetics
Classification: Likely pathogenic for Mitochondrial complex IV deficiency, nuclear type 1. Last evaluated: 2023-01-31. Review status: criteria provided, single submitter. Criteria: ACMG Guidelines, 2015. Collection method: clinical testing. Allele origin: unknown. Inheritance: Autosomal recessive inheritance. Affected: yes. Observed: 1 variant allele.

Labcorp Genetics (formerly Invitae), Labcorp
Classification: Uncertain significance for Leigh syndrome. Last evaluated: 2021-12-02. Review status: criteria provided, single submitter. Criteria: Invitae Variant Classification Sherloc (09022015). Collection method: clinical testing. Allele origin: germline.
Comment: This variant is present in population databases (no rsID available, gnomAD 0.0009%). In summary, the available evidence is currently insufficient to determine the role of this variant in disease. Therefore, it has been classified as a Variant of Uncertain Significance. Algorithms developed to predict the effect of missense changes on protein structure and function are either unavailable or do not agree on the potential impact of this missense change (SIFT: "Deleterious"; PolyPhen-2: "Probably Damaging"; Align-GVGD: "Class C0"). This variant has not been reported in the literature in individuals affected with SURF1-related conditions. This sequence change replaces methionine, which is neutral and non-polar, with valine, which is neutral and non-polar, at codon 235 of the SURF1 protein (p.Met235Val).